The following is an entry in ClinVar:

ClinVar aggregate classification (germline): Uncertain significance. Review status: criteria provided, multiple submitters, no conflicts (2 of 4 stars). 2 submissions from 2 submitters: Uncertain significance (2). Last evaluated 2025-12-20.

Conditions:
Hereditary cancer-predisposing syndrome. Also called: Hereditary Cancer Syndrome; Tumor predisposition; Neoplastic Syndromes, Hereditary; Hereditary neoplastic syndrome. Identifiers: Orphanet 140162, MedGen C0027672, MeSH D009386, MONDO:0015356.

Allele frequency attached by ClinVar (database versions not stated): gnomAD 0.00001; TOPMed 0.00002.
gnomAD v4.1: 3 of 1,606,770 alleles (0.00019%); highest among the groups gnomAD compares: Non-Finnish European, 0.00026%; no homozygotes.

Submissions (2):

Ambry Genetics
Classification: Uncertain significance for Hereditary cancer-predisposing syndrome. Last evaluated: 2025-12-20. Review status: criteria provided, single submitter. Criteria: Ambry Variant Classification Scheme 2023. Collection method: clinical testing. Allele origin: germline.
Comment: The p.S1019I variant (also known as c.3056G>T), located in coding exon 25 of the POLE gene, results from a G to T substitution at nucleotide position 3056. The serine at codon 1019 is replaced by isoleucine, an amino acid with dissimilar properties. This amino acid position is conserved. In addition, the in silico prediction for this alteration is inconclusive. Since supporting evidence is limited at this time, the clinical significance of this alteration remains unclear.

Labcorp Genetics (formerly Invitae), Labcorp
Classification: Uncertain significance. Last evaluated: 2025-03-09. Review status: criteria provided, single submitter. Criteria: Invitae Variant Classification Sherloc (09022015). Collection method: clinical testing. Allele origin: germline.
Comment: This sequence change replaces serine, which is neutral and polar, with isoleucine, which is neutral and non-polar, at codon 1019 of the POLE protein (p.Ser1019Ile). This variant is not present in population databases (gnomAD no frequency). This variant has not been reported in the literature in individuals affected with POLE-related conditions. ClinVar contains an entry for this variant (Variation ID: 860603). Invitae Evidence Modeling of protein sequence and biophysical properties (such as structural, functional, and spatial information, amino acid conservation, physicochemical variation, residue mobility, and thermodynamic stability) indicates that this missense variant is expected to disrupt POLE protein function with a positive predictive value of 80%. In summary, the available evidence is currently insufficient to determine the role of this variant in disease. Therefore, it has been classified as a Variant of Uncertain Significance.

NM_006231.4(POLE):c.3056G>T (p.Ser1019Ile)

Gene: POLE (DNA polymerase epsilon, catalytic subunit; minus strand). Cytogenetic location: 12q24.33.
Variant type: single nucleotide variant.
Coding change: c.3056G>T on transcript NM_006231.4 (MANE Select); coding-DNA position 3056, G replaced by T.
Protein change: p.Ser1019Ile; replaces serine 1019 with isoleucine.
Molecular consequence: missense variant.
Genome position (GRCh38, 1-based): chr12:132,660,973, C>A on the plus strand (G>T on the coding strand, the complement: POLE is on the minus strand). VCF-style: chr12-132660973-C-A. GRCh37 (hg19) VCF-style: chr12-133237559-C-A.
Other names: short protein forms S1019I.
Identifiers: ClinVar variation 860603 (VCV000860603.11), dbSNP rs1298505088, ClinGen allele CA387392151.